The following is an entry in ClinVar:

NM_001005242.3(PKP2):c.682G>A (p.Asp228Asn)

Gene: PKP2 (plakophilin 2; minus strand). Cytogenetic location: 12p11.21.
Variant type: single nucleotide variant.
Coding change: c.682G>A on transcript NM_001005242.3 (MANE Select); coding-DNA position 682, G replaced by A.
Protein change: p.Asp228Asn; replaces aspartic acid 228 with asparagine.
Molecular consequence: missense variant.
Genome position (GRCh38, 1-based): chr12:32,878,198, C>T on the plus strand (G>A on the coding strand, the complement: PKP2 is on the minus strand). VCF-style: chr12-32878198-C-T. GRCh37 (hg19) VCF-style: chr12-33031132-C-T.
Other names: c.682G>A, p.Asp228Asn (NM_004572.4); short protein forms D228N.
Identifiers: ClinVar variation 662414 (VCV000662414.20), dbSNP rs143954425, ClinGen allele CA038321.
Genomic context (GRCh38, chr12:32,878,198, plus strand): 5'-TCCCTGGCCTGGGGTACGTGAGCAGGGCCGGGTTGGCAGGGATGCTGTCAAAAACGGTGT[C>T]GCTAACAGAGCCATGCTGGTACTGTCTGTGGTATGTGTCAAAGTGGCGCTGCCTGCTTGT-3'
Protein context (NP_001005242.2, residues 218-238): HRQYQHGSVS[Asp228Asn]TVFDSIPANP

ClinVar aggregate classification (germline): Uncertain significance. Review status: criteria provided, multiple submitters, no conflicts (2 of 4 stars). 5 submissions from 5 submitters: Uncertain significance (5). Last evaluated 2026-02-02.

Conditions:
Cardiovascular phenotype. Identifiers: MedGen CN230736.
Arrhythmogenic right ventricular cardiomyopathy (ARVD). Also called: Arrhythmogenic cardiomyopathy; Cardiomyopathy, ARVC; Arrhythmogenic right ventricular dysplasia; Arrhythmogenic Right Ventricular Cardiomyopathy (ARVC). Identifiers: Orphanet 247, MedGen C0349788, MeSH D019571, MONDO:0016587. Disease mechanism: loss of function. Inheritance: Various modes of inheritance.
Arrhythmogenic right ventricular dysplasia 9 (ARVD9). Also called: Arrhythmogenic Right Ventricular Dysplasia/Cardiomyopathy 9; ARRHYTHMOGENIC RIGHT VENTRICULAR DYSPLASIA, FAMILIAL, 9. Identifiers: MedGen C1836906, MONDO:0012180, OMIM 609040.
Cardiomyopathy (CMYO). Also called: Cardiomyopathies. Identifiers: Orphanet 167848, MedGen C0878544, MONDO:0004994, HP:0001638. Inheritance: Various modes of inheritance.

Allele frequency attached by ClinVar (database versions not stated): gnomAD 0.00011 and 0.00012; TOPMed 0.00015; ExAC 0.00002; ESP Exome Variant Server 0.00008.

Submissions (5):

Labcorp Genetics (formerly Invitae), Labcorp
Classification: Uncertain significance for Arrhythmogenic right ventricular dysplasia 9. Last evaluated: 2026-02-02. Review status: criteria provided, single submitter. Criteria: Invitae Variant Classification Sherloc (09022015). Collection method: clinical testing. Allele origin: germline.
Comment: This sequence change replaces aspartic acid, which is acidic and polar, with asparagine, which is neutral and polar, at codon 228 of the PKP2 protein (p.Asp228Asn). This variant is present in population databases (rs143954425, gnomAD 0.03%). This missense change has been observed in individual(s) with arrhythmogenic right ventricular cardiomyopathy (internal data). ClinVar contains an entry for this variant (Variation ID: 662414). An algorithm developed to predict the effect of missense changes on protein structure and function outputs the following: PolyPhen-2: "Benign". The asparagine amino acid residue is found in multiple mammalian species, which suggests that this missense change does not adversely affect protein function. In summary, the available evidence is currently insufficient to determine the role of this variant in disease. Therefore, it has been classified as a Variant of Uncertain Significance.

Ambry Genetics
Classification: Uncertain significance for Cardiovascular phenotype. Last evaluated: 2025-08-28. Review status: criteria provided, single submitter. Criteria: Ambry Variant Classification Scheme 2023. Collection method: clinical testing. Allele origin: germline.
Comment: The p.D228N variant (also known as c.682G>A), located in coding exon 3 of the PKP2 gene, results from a G to A substitution at nucleotide position 682. The aspartic acid at codon 228 is replaced by asparagine, an amino acid with highly similar properties. This amino acid position is well conserved in available vertebrate species. In addition, this alteration is predicted to be tolerated by in silico analysis. Since supporting evidence is limited at this time, the clinical significance of this alteration remains unclear.

All of Us Research Program, National Institutes of Health
Classification: Uncertain significance for Arrhythmogenic right ventricular cardiomyopathy. Last evaluated: 2024-07-29. Review status: criteria provided, single submitter. Criteria: ACMG Guidelines, 2015. Collection method: clinical testing. Allele origin: germline. Inheritance: Autosomal dominant inheritance. Observed: 9 variant alleles, 9 heterozygotes.
Comment: This missense variant replaces aspartic acid with asparagine at codon 228 of the PKP2 protein. Computational prediction suggests that this variant may not impact protein structure and function (internally defined REVEL score threshold <= 0.5, PMID: 27666373). To our knowledge, functional studies have not been reported for this variant. This variant has not been reported in individuals affected with cardiovascular disorders in the literature. This variant has been identified in 10/282820 chromosomes in the general population by the Genome Aggregation Database (gnomAD). The available evidence is insufficient to determine the role of this variant in disease conclusively. Therefore, this variant is classified as a Variant of Uncertain Significance.

This study involves interpretation of variants in research participants for the purpose of population health screening. Participant phenotype was not available at the time of variant classification. Additional details can be found in publication PMID: 35346344, PMCID: PMC8962531

GeneDx
Classification: Uncertain significance. Last evaluated: 2024-05-10. Review status: criteria provided, single submitter. Criteria: GeneDx Variant Classification Process June 2021. Collection method: clinical testing. Allele origin: germline. Affected: yes.
Comment: Has not been previously published as pathogenic or benign to our knowledge; In silico analysis indicates that this missense variant does not alter protein structure/function

Color Diagnostics, LLC DBA Color Health
Classification: Uncertain significance for Cardiomyopathy. Last evaluated: 2024-02-07. Review status: criteria provided, single submitter. Criteria: ACMG Guidelines, 2015. Collection method: clinical testing. Allele origin: germline.
Comment: This missense variant replaces aspartic acid with asparagine at codon 228 of the PKP2 protein. Computational prediction suggests that this variant may not impact protein structure and function (internally defined REVEL score threshold <= 0.5, PMID: 27666373). To our knowledge, functional studies have not been reported for this variant. This variant has not been reported in individuals affected with cardiovascular disorders in the literature. This variant has been identified in 10/282820 chromosomes in the general population by the Genome Aggregation Database (gnomAD). The available evidence is insufficient to determine the role of this variant in disease conclusively. Therefore, this variant is classified as a Variant of Uncertain Significance.